The following is an entry in ClinVar:

GRCh37/hg19 Xp21.1(chrX:31855684-32157553)x0

Gene: DMD (dystrophin; minus strand). Cytogenetic location: Xp21.1.
Variant type: copy number loss.
Change: copy number 0 of chrX:31,855,684-32,157,553 (301.9 kb, GRCh37 coordinates, 1-based), cytogenetic band Xp21.1.
Identifiers: ClinVar variation 816332 (VCV000816332.2).

ClinVar aggregate classification (germline): Pathogenic (1 of 4 stars; one submission).

Submission:

Quest Diagnostics Nichols Institute San Juan Capistrano
Classification: Pathogenic. Last evaluated: 2021-10-16. Review status: criteria provided, single submitter. Criteria: ACMG/ClinGen CNV Guidelines, 2019. Collection method: clinical testing. Allele origin: unknown.
Comment: The Xp21.1 deletion interval involves exon (45-48; NM_004006.2) of the DMD (dystrophin) gene (OMIM 300377). Dystrophinopathies including Becker Muscular Dystrophy (BMD)(OMIM 300376), Duchenne Muscular Dystrophy (DMD)(OMIM 310200), and DMD-Associated Dilated Cardiomyopathy (OMIM 302045) are X-linked recessive disorders caused by entire or intragenic DMD deletions and duplications as well as point mutations, primarily affecting the isoform expressed in the skeletal muscles. Age of onset and severity of progressive muscular weakness depend on the mutation characteristics (i.e., out- or in-frame in the case of exonic deletions or duplications). Manifesting carriers may demonstrate variable degrees of symptoms (mild, moderate, or severe muscular dystrophy) depending, in part, on patterns of X-chromosome inactivation. Carrier females might be at risk for dilated cardiomyopathy (DCM)(Darras BT et al., GeneReviews [Internet].